The following is an entry in ClinVar:

ClinVar aggregate classification (germline): Likely benign. Review status: criteria provided, single submitter (1 of 4 stars). 2 submissions from 2 submitters: Likely benign (1). 1 of the submissions does not count toward it. Last evaluated 2025-10-21.

Conditions:
SERPING1-related disorder. Also called: SERPING1-related condition.

Allele frequency attached by ClinVar (database versions not stated): TOPMed 0.00003; ExAC 0.00005; gnomAD 0.00005 and 0.00006; gnomAD exomes 0.00006 and 0.00009; ESP Exome Variant Server 0.00008.

Submissions (2):

Labcorp Genetics (formerly Invitae), Labcorp
Classification: Likely benign. Last evaluated: 2025-10-21. Review status: criteria provided, single submitter. Criteria: Invitae Variant Classification Sherloc (09022015). Collection method: clinical testing. Allele origin: germline.

PreventionGenetics, part of Exact Sciences
Classification: Uncertain significance for SERPING1-related condition. Last evaluated: 2023-12-26. Review status: no assertion criteria provided. Collection method: clinical testing. Allele origin: germline. Not counted in ClinVar's aggregate classification.
Comment: The SERPING1 c.1045C>T variant is predicted to result in the amino acid substitution p.Leu349Phe. This variant along with a second potentially causative variant was reported in two siblings with hereditary angioedema, with heterozygous parents being unaffected (Ponard et al. 2019. PubMed ID: 31517426). This variant is reported in 0.014% of alleles in individuals of Latino descent in gnomAD. At this time, the clinical significance of this variant is uncertain due to the absence of conclusive functional and genetic evidence.

NM_000062.3(SERPING1):c.1045C>T (p.Leu349Phe)

Gene: SERPING1 (serpin family G member 1; plus strand). Cytogenetic location: 11q12.1.
Variant type: single nucleotide variant.
Coding change: c.1045C>T on transcript NM_000062.3 (MANE Select); coding-DNA position 1045, C replaced by T.
Protein change: p.Leu349Phe; replaces leucine 349 with phenylalanine.
Molecular consequence: missense variant.
Genome position (GRCh38, 1-based): chr11:57,611,732, C>T. VCF-style: chr11-57611732-C-T. GRCh37 (hg19) VCF-style: chr11-57379205-C-T.
Other names: c.1045C>T, p.Leu349Phe (NM_001032295.2); c.1045C>T (NM_000062.2); short protein forms L349F.
Identifiers: ClinVar variation 1425516 (VCV001425516.8), dbSNP rs141075266, ClinGen allele CA6008218.